The following is an entry in ClinVar:

ClinVar aggregate classification (germline): Uncertain significance. Review status: criteria provided, multiple submitters, no conflicts (2 of 4 stars). 3 submissions from 3 submitters: Uncertain significance (3). Last evaluated 2025-10-06.

Conditions:
Walker-Warburg congenital muscular dystrophy. Also called: Muscular dystrophy-dystroglycanopathy, type A; Walker-Warburg syndrome. Identifiers: Orphanet 899, MedGen C0265221, MONDO:0000171.
FKTN-related disorder. Also called: FKTN-related disorders; FKTN-related condition.

gnomAD v4.1: 2 of 1,614,036 alleles (0.00012%); highest among the groups gnomAD compares: Non-Finnish European, 0.00017%; no homozygotes.

Submissions (3):

3billion
Classification: Uncertain significance for FKTN-related disorder. Last evaluated: 2025-10-06. Review status: criteria provided, single submitter. Criteria: ACMG Guidelines, 2015. Collection method: clinical testing. Allele origin: germline. Affected: yes.
Comment: The variant is observed at an extremely low frequency in the gnomAD v4.1.0 dataset (total allele frequency: <0.001%). Predicted Consequence/Location: Missense variant. The majority of the known disease-causing variants of this gene are variants expected to result in premature termination of the protein. Damaging effect on gene or gene product predicted by in silico programs is uncertain [REVEL: 0.57 (damaging >=0.6, benign <0.4), 3Cnet: 0.36 (damaging >0.75, benign <0.1)]. The variant has been reported as of uncertain significance (ClinVar ID: VCV001446524, VCV000594177). Therefore, this variant is classified as VUS according to the recommendation of ACMG/AMP guideline.

Labcorp Genetics (formerly Invitae), Labcorp
Classification: Uncertain significance for Walker-Warburg congenital muscular dystrophy. Last evaluated: 2024-10-30. Review status: criteria provided, single submitter. Criteria: Invitae Variant Classification Sherloc (09022015). Collection method: clinical testing. Allele origin: germline.
Comment: This sequence change replaces lysine, which is basic and polar, with asparagine, which is neutral and polar, at codon 408 of the FKTN protein (p.Lys408Asn). This variant is not present in population databases (gnomAD no frequency). This variant has not been reported in the literature in individuals affected with FKTN-related conditions. ClinVar contains an entry for this variant (Variation ID: 1446524). Invitae Evidence Modeling of protein sequence and biophysical properties (such as structural, functional, and spatial information, amino acid conservation, physicochemical variation, residue mobility, and thermodynamic stability) has been performed for this missense variant. However, the output from this modeling did not meet the statistical confidence thresholds required to predict the impact of this variant on FKTN protein function. In summary, the available evidence is currently insufficient to determine the role of this variant in disease. Therefore, it has been classified as a Variant of Uncertain Significance.

Revvity Omics, Revvity
Classification: Uncertain significance. Last evaluated: 2022-10-04. Review status: criteria provided, single submitter. Criteria: ACMG Guidelines, 2015. Collection method: clinical testing. Allele origin: germline.

NM_001079802.2(FKTN):c.1224G>C (p.Lys408Asn)

Gene: FKTN (fukutin; plus strand). Cytogenetic location: 9q31.2.
Variant type: single nucleotide variant.
Coding change: c.1224G>C on transcript NM_001079802.2 (MANE Select); coding-DNA position 1224, G replaced by C.
Protein change: p.Lys408Asn; replaces lysine 408 with asparagine.
Molecular consequence: missense variant. On other transcripts: 3 prime UTR variant (1), non-coding transcript variant (2).
Genome position (GRCh38, 1-based): chr9:105,635,102, G>C. VCF-style: chr9-105635102-G-C. GRCh37 (hg19) VCF-style: chr9-108397383-G-C.
Other names: c.1224G>C, p.Lys408Asn (NM_001198963.2, NM_001351496.2, NM_006731.2); c.1155G>C, p.Lys385Asn (NM_001351497.2); c.*16G>C (NM_001351498.2); c.828G>C, p.Lys276Asn (NM_001351499.2, NM_001351500.2, NM_001351501.2 and 1 more transcripts); c.1224G>C (NM_001079802.1); short protein forms K276N, K385N, K408N.
Identifiers: ClinVar variation 1446524 (VCV001446524.11), dbSNP rs200091271, ClinGen allele CA374378118.